The following is an entry in ClinVar:

ClinVar aggregate classification (germline): Uncertain significance (1 of 4 stars; one submission).

Allele frequency attached by ClinVar (database versions not stated): ExAC 0.00001.
gnomAD v4.1: 3 of 1,613,868 alleles (0.00019%); highest among the groups gnomAD compares: Middle Eastern, 0.016%; no homozygotes.

Submission:

Ambry Genetics
Classification: Uncertain significance. Last evaluated: 2023-05-23. Review status: criteria provided, single submitter. Criteria: Ambry Variant Classification Scheme 2023. Collection method: clinical testing. Allele origin: germline.
Comment: The p.N767K variant (also known as c.2301C>A), located in coding exon 13 of the NPAT gene, results from a C to A substitution at nucleotide position 2301. The asparagine at codon 767 is replaced by lysine, an amino acid with similar properties. This amino acid position is conserved. In addition, this alteration is predicted to be tolerated by in silico analysis. Since supporting evidence is limited at this time, the clinical significance of this alteration remains unclear.

NM_002519.3(NPAT):c.2301C>A (p.Asn767Lys)

Gene: NPAT (nuclear protein, coactivator of histone transcription; minus strand). Cytogenetic location: 11q22.3.
Variant type: single nucleotide variant.
Coding change: c.2301C>A on transcript NM_002519.3 (MANE Select); coding-DNA position 2301, C replaced by A.
Protein change: p.Asn767Lys; replaces asparagine 767 with lysine.
Molecular consequence: missense variant.
Genome position (GRCh38, 1-based): chr11:108,172,683, G>T on the plus strand (C>A on the coding strand, the complement: NPAT is on the minus strand). VCF-style: chr11-108172683-G-T. GRCh37 (hg19) VCF-style: chr11-108043410-G-T.
Other names: c.2301C>A, p.Asn767Lys (NM_001321307.1); short protein forms N767K.
Identifiers: ClinVar variation 2562558 (VCV002562558.2), dbSNP rs775351457, ClinGen allele CA6263839.